The following is an entry in ClinVar:

ClinVar aggregate classification (germline): Uncertain significance (1 of 4 stars; one submission).

Conditions:
Leber congenital amaurosis 6 (LCA6). Identifiers: Orphanet 65, MedGen C1854260, MONDO:0013446, OMIM 613826.
Cone-rod dystrophy 13 (CORD13). Identifiers: Orphanet 1872, MedGen C2750720, MONDO:0011987, OMIM 608194.

Allele frequency attached by ClinVar (database versions not stated): gnomAD exomes 0.00001; gnomAD 0.00002; TOPMed 0.00002.
gnomAD v4.1: 11 of 1,613,908 alleles (0.00068%); highest among the groups gnomAD compares: East Asian, 0.0067%; no homozygotes.

Submission:

Labcorp Genetics (formerly Invitae), Labcorp
Classification: Uncertain significance for Leber congenital amaurosis 6; Cone-rod dystrophy 13. Last evaluated: 2021-08-28. Review status: criteria provided, single submitter. Criteria: Invitae Variant Classification Sherloc (09022015). Collection method: clinical testing. Allele origin: germline.
Comment: This sequence change replaces arginine with cysteine at codon 827 of the RPGRIP1 protein (p.Arg827Cys). The arginine residue is highly conserved and there is a large physicochemical difference between arginine and cysteine. This variant is not present in population databases (ExAC no frequency). This variant has not been reported in the literature in individuals affected with RPGRIP1-related conditions. Algorithms developed to predict the effect of missense changes on protein structure and function (SIFT, PolyPhen-2, Align-GVGD) all suggest that this variant is likely to be disruptive. This variant disrupts the p.Arg827 amino acid residue in RPGRIP1. Other variant(s) that disrupt this residue have been determined to be pathogenic (PMID: 12920076). This suggests that this residue is clinically significant, and that variants that disrupt this residue are likely to be disease-causing. In summary, the available evidence is currently insufficient to determine the role of this variant in disease. Therefore, it has been classified as a Variant of Uncertain Significance.

Literature cited by the submitters: PubMed 12920076.

NM_020366.4(RPGRIP1):c.2479C>T (p.Arg827Cys)

Gene: RPGRIP1 (RPGR interacting protein 1; plus strand). Cytogenetic location: 14q11.2.
Variant type: single nucleotide variant.
Coding change: c.2479C>T on transcript NM_020366.4 (MANE Select); coding-DNA position 2479, C replaced by T.
Protein change: p.Arg827Cys; replaces arginine 827 with cysteine.
Molecular consequence: missense variant. On other transcripts: intron variant (4).
Genome position (GRCh38, 1-based): chr14:21,325,942, C>T. VCF-style: chr14-21325942-C-T. GRCh37 (hg19) VCF-style: chr14-21794101-C-T.
Other names: c.1405C>T, p.Arg469Cys (NM_001377948.1); c.796+1217C>T (NM_001377949.1); c.689-1681C>T (NM_001377523.1, NM_001377950.1); c.191-1681C>T (NM_001377951.1); short protein forms R827C, R469C.
Identifiers: ClinVar variation 969998 (VCV000969998.7), dbSNP rs985883884, ClinGen allele CA257536135.
Genomic context (GRCh38, chr14:21,325,942, plus strand): 5'-AAGTGCTGTGGCCTCCGGAGTCGATGGCTGGGAACTCAACCCAGTCCATATGCTGTGTAC[C>T]GCTTCTTCACCTTTTCTGACCATGACACTGCCATCATTCCAGCCAGTAACAACCCCTACT-3'
Protein context (NP_065099.3, residues 817-837): GTQPSPYAVY[Arg827Cys]FFTFSDHDTA